The following is an entry in ClinVar:

NM_001371928.1(AHDC1):c.4424G>A (p.Arg1475His)

Gene: AHDC1 (AT-hook DNA binding motif containing 1; minus strand). Cytogenetic location: 1p36.11.
Variant type: single nucleotide variant.
Coding change: c.4424G>A on transcript NM_001371928.1 (MANE Select); coding-DNA position 4424, G replaced by A.
Protein change: p.Arg1475His; replaces arginine 1475 with histidine.
Molecular consequence: missense variant.
Genome position (GRCh38, 1-based): chr1:27,547,692, C>T on the plus strand (G>A on the coding strand, the complement: AHDC1 is on the minus strand). VCF-style: chr1-27547692-C-T. GRCh37 (hg19) VCF-style: chr1-27874203-C-T.
Other names: c.4424G>A, p.Arg1475His (NM_001029882.3); c.380G>A, p.Arg127His (NM_015699.1); c.4424G>A (NM_001029882.2); short protein forms R1475H, R127H.
Identifiers: ClinVar variation 3006976 (VCV003006976.14), dbSNP rs746396362, ClinGen allele CA19871777.

ClinVar aggregate classification (germline): Uncertain significance. Review status: criteria provided, multiple submitters, no conflicts (2 of 4 stars). 3 submissions from 3 submitters: Uncertain significance (3). Last evaluated 2025-05-01.

Conditions:
Inborn genetic diseases. Identifiers: MedGen C0950123, MeSH D030342.

Allele frequency attached by ClinVar (database versions not stated): gnomAD exomes 0.00002; TOPMed 0.00002; gnomAD 0.00003.
gnomAD v4.1: 26 of 1,594,830 alleles (0.0016%); highest among the groups gnomAD compares: African/African-American, 0.0027%; no homozygotes.

Submissions (3):

CeGaT Center for Human Genetics Tuebingen
Classification: Uncertain significance. Last evaluated: 2025-05-01. Review status: criteria provided, single submitter. Criteria: CeGaT Center For Human Genetics Tuebingen Variant Classification Criteria Version 2. Collection method: clinical testing. Allele origin: germline. Affected: yes. Observed: 1 variant allele.

Ambry Genetics
Classification: Uncertain significance for Inborn genetic diseases. Last evaluated: 2023-10-02. Review status: criteria provided, single submitter. Criteria: Ambry Variant Classification Scheme 2023. Collection method: clinical testing. Allele origin: germline.

Labcorp Genetics (formerly Invitae), Labcorp
Classification: Uncertain significance. Last evaluated: 2023-04-20. Review status: criteria provided, single submitter. Criteria: Invitae Variant Classification Sherloc (09022015). Collection method: clinical testing. Allele origin: germline.
Comment: An algorithm developed to predict the effect of missense changes on protein structure and function (PolyPhen-2) suggests that this variant is likely to be disruptive. This sequence change replaces arginine, which is basic and polar, with histidine, which is basic and polar, at codon 1475 of the AHDC1 protein (p.Arg1475His). The frequency data for this variant in the population databases is considered unreliable, as metrics indicate poor data quality at this position in the gnomAD database. This variant has not been reported in the literature in individuals affected with AHDC1-related conditions. In summary, the available evidence is currently insufficient to determine the role of this variant in disease. Therefore, it has been classified as a Variant of Uncertain Significance.